The following is an entry in ClinVar:

NM_005612.5(REST):c.1349A>C (p.Gln450Pro)

Gene: REST (RE1 silencing transcription factor; plus strand). Cytogenetic location: 4q12.
Variant type: single nucleotide variant.
Coding change: c.1349A>C on transcript NM_005612.5 (MANE Select); coding-DNA position 1349, A replaced by C.
Protein change: p.Gln450Pro; replaces glutamine 450 with proline.
Molecular consequence: missense variant.
Genome position (GRCh38, 1-based): chr4:56,930,207, A>C. VCF-style: chr4-56930207-A-C. GRCh37 (hg19) VCF-style: chr4-57796373-A-C.
Other names: c.1349A>C, p.Gln450Pro (NM_001193508.2, NM_001363453.3); short protein forms Q450P.
Identifiers: ClinVar variation 3701273 (VCV003701273.2).

ClinVar aggregate classification (germline): Uncertain significance (1 of 4 stars; one submission).

gnomAD v4.1: 1 of 1,606,800 alleles (0.000062%); highest among the groups gnomAD compares: Non-Finnish European, 0.000085%; no homozygotes.

Submission:

Labcorp Genetics (formerly Invitae), Labcorp
Classification: Uncertain significance. Last evaluated: 2024-10-12. Review status: criteria provided, single submitter. Criteria: Invitae Variant Classification Sherloc (09022015). Collection method: clinical testing. Allele origin: germline.
Comment: This sequence change replaces glutamine, which is neutral and polar, with proline, which is neutral and non-polar, at codon 450 of the REST protein (p.Gln450Pro). This variant is not present in population databases (gnomAD no frequency). This variant has not been reported in the literature in individuals affected with REST-related conditions. An algorithm developed to predict the effect of missense changes on protein structure and function outputs the following: PolyPhen-2: "Benign". The proline amino acid residue is found in multiple mammalian species, which suggests that this missense change does not adversely affect protein function. In summary, the available evidence is currently insufficient to determine the role of this variant in disease. Therefore, it has been classified as a Variant of Uncertain Significance.